The following is an entry in ClinVar:

ClinVar aggregate classification (germline): Likely benign (0 of 4 stars; one submission).

Conditions:
RIPK4-related disorder. Also called: RIPK4-related condition.

Allele frequency attached by ClinVar (database versions not stated): gnomAD exomes 0.00004; ExAC 0.00011; gnomAD 0.00023; TOPMed 0.00029; ESP Exome Variant Server 0.00031.
gnomAD v4.1: 98 of 1,612,058 alleles (0.0061%); highest among the groups gnomAD compares: African/African-American, 0.069%; no homozygotes.

Submission:

PreventionGenetics, part of Exact Sciences
Classification: Likely benign for RIPK4-related condition. Last evaluated: 2019-03-16. Review status: no assertion criteria provided. Collection method: clinical testing. Allele origin: germline.
Comment: This variant is classified as likely benign based on ACMG/AMP sequence variant interpretation guidelines (Richards et al. 2015 PMID: 25741868, with internal and published modifications).

NM_020639.3(RIPK4):c.2016C>T (p.Thr672=)

Gene: RIPK4 (receptor interacting serine/threonine kinase 4; minus strand). Cytogenetic location: 21q22.3.
Variant type: single nucleotide variant.
Coding change: c.2016C>T on transcript NM_020639.3 (MANE Select); coding-DNA position 2016, C replaced by T.
Protein change: p.Thr672=; no amino-acid change (threonine 672 retained).
Molecular consequence: synonymous variant.
Genome position (GRCh38, 1-based): chr21:41,741,177, G>A on the plus strand (C>T on the coding strand, the complement: RIPK4 is on the minus strand). VCF-style: chr21-41741177-G-A. GRCh37 (hg19) VCF-style: chr21-43161337-G-A.
Identifiers: ClinVar variation 3047909 (VCV003047909.2), dbSNP rs143972232, ClinGen allele CA10035154.